The following is an entry in ClinVar:

NM_000155.2(GALT):c.[940A>G;-119_-116delGTCA]

Variant type: Haplotype.
Identifiers: ClinVar variation 140570 (VCV000140570.8).

ClinVar aggregate classification (germline): Conflicting classifications of pathogenicity. Review status: criteria provided, conflicting classifications (1 of 4 stars). 3 submissions from 3 submitters: Pathogenic (1); Uncertain significance (1). 1 of the submissions does not count toward it. Last evaluated 2023-04-06.

Conditions:
Deficiency of UDPglucose-hexose-1-phosphate uridylyltransferase. Also called: GALACTOSE-1-PHOSPHATE URIDYLYLTRANSFERASE DEFICIENCY; GALT deficiency; Galactosemia, classic; Transferase Deficiency Galactosemia; GALACTOSEMIA I. Identifiers: Orphanet 352, Orphanet 79239, MedGen C0268151, MONDO:0009258, OMIM 230400.

Submissions (3):

Women's Health and Genetics/Laboratory Corporation of America, LabCorp
Classification: Uncertain significance. Last evaluated: 2023-04-06. Review status: criteria provided, single submitter. Criteria: LabCorp Variant Classification Summary - May 2015. Collection method: clinical testing. Allele origin: germline.
Comment: Variant summary: The variant GALT c.[-119_-116delGTCA;940A>G] is a common complex allele that involves the deletion of a stretch of four nucleotides located in the GALT promoter region, and a missense change (c.940A>G/p.Asn314Asp) in the coding region. The allele frequency of this complex variant could not be determined from large population databases such as gnomAD because the individual variants of the complex have variable frequencies and the exact number of alleles representing a combination of the two in cis is unknown. However, based on the frequency of the least prevalent allele, namely c.-119_-116delGTCA, it can be estimated that the complex variant allele will be found at a frequency not to exceed 0.046 in 150922 control chromosomes. Even though this frequency exceeds the maximal expected allele frequency for a pathogenic variant in GALT (0.0029), this complex variant is found in cis with 3 other intronic (benign) variants as part of the Duarte 2 variant (D2) allele and it has been reported in the literature in multiple individuals with a biochemical diagnosis of Duarte galactosemia (DG) (e.g. Elsas_2001, Yang_2002). This form of galactosemia is caused by the presence of one heterozygous pathogenic GALT variant together with either a heterozygous or homozygous Duarte GALT variant, resulting in a reduction of GALT enzyme activity that is typically about 25% of normal activity (Pasquali_2018, Fridovich-Keil_2020). Experimental evidence evaluating an impact on protein function demonstrated c.-119_-116delGTCA to reduce promoter activity, causing diminished transcription of the gene eventually resulting in reduced GALT activity (Elsas_2001, Trbusek_2001, Carney_2009). The variant causes a milder effect on the enzyme activity than classic GALT pathogenic variants (carriers of the variant show about 75% of wild-type activity) (Elsas_2001). However, more recent publications put into question the clinical relevance of the D2 variant. Specifically, international clinical guidelines released by The Galactosemia Network (GalNet) recommend to not treat patients with the Duarte variant and to not provide endocrine follow-up, as there is no evidence that the ovaries are affected (Welling_2017). The authors review evidence from the literature reporting long-term outcomes in DG indicative of normal IQ scores, language skills, FSH values, and ophthalmologic examinations in untreated DG children aged 1-6 years (PMIDs: 18976948, 20489133) and comparable levels of FSH in female children with DG (up to 10.5 years) vs. healthy controls (PMID: 21719007). Nevertheless, Powell et al (PMID: 19904210) reported a higher percentage of children with DG enrolled in special education services compared to the general population, while a small pilot study identified some differences in socio-emotional development, in delayed recall, and in auditory processing speed between children with DG and their unaffected siblings (PMID: 25681083). Carlock et al (2019) and Fridovich-Keil et al (2021) conducted studies of dietary and developmental outcomes in children with DG (up to 12 years), and found no evidence of increased risk for acute complications or childhood developmental challenges that require intervention, regardless of milk exposure in infancy. Another study examined developmental outcomes and the need for special services in individuals with DG and concluded that Duarte-2 galactosemia may increase the risk for mild developmental delays during early infancy, but these are transient and dissipate with time (Waisbren_2021). Fridovich-Keil et al (2021) suggest based on their observations, that parents of infants diagnosed and treated for DG may be more motivated to seek special education services, which may explain the higher prevalence of this phenomenon in treated DG cases compared to their untreated DG counterparts. Two ClinVar submitters (evaluation after 2014) cite the variant as pathogenic. In conclusion, based on the evidence outlined above, and in particular the emergence of new evidence indicative of normal long-term outcomes for individuals with Duarte galactosemia, this complex variant was re-classified as uncertain significance.

Mayo Clinic Laboratories, Mayo Clinic
Classification: Pathogenic. Last evaluated: 2021-11-17. Review status: criteria provided, single submitter. Criteria: ACMG Guidelines, 2015. Collection method: clinical testing. Allele origin: germline.

GeneReviews
Classification: Pathogenic for Deficiency of UDPglucose-hexose-1-phosphate uridylyltransferase. Last evaluated: 2021-03-09. Review status: no assertion criteria provided. Collection method: literature only. Allele origin: germline. Not counted in ClinVar's aggregate classification.
Comment: Duarte D2: most common biochemical pathogenic variant with effect on promoter function

Literature cited by the submitters: PubMed 11754113 (cited by Women's Health and Genetics/Laboratory Corporation of America, LabCorp); PubMed 10424825 (cited by Women's Health and Genetics/Laboratory Corporation of America, LabCorp); PubMed 19224951 (cited by Women's Health and Genetics/Laboratory Corporation of America, LabCorp); PubMed 11286503 (cited by Women's Health and Genetics/Laboratory Corporation of America, LabCorp); PubMed 11479743 (cited by Women's Health and Genetics/Laboratory Corporation of America, LabCorp); PubMed 25614870 (cited by Women's Health and Genetics/Laboratory Corporation of America, LabCorp); PubMed 25473725 (cited by Women's Health and Genetics/Laboratory Corporation of America, LabCorp); PubMed 29261178 (cited by Women's Health and Genetics/Laboratory Corporation of America, LabCorp); PubMed 33335841 (cited by Women's Health and Genetics/Laboratory Corporation of America, LabCorp); PubMed 20301691 (cited by Women's Health and Genetics/Laboratory Corporation of America, LabCorp and GeneReviews); PubMed 30593450 (cited by Women's Health and Genetics/Laboratory Corporation of America, LabCorp); PubMed 35028275 (cited by Women's Health and Genetics/Laboratory Corporation of America, LabCorp); PubMed 34391645 (cited by Women's Health and Genetics/Laboratory Corporation of America, LabCorp); PubMed 27858262 (cited by Women's Health and Genetics/Laboratory Corporation of America, LabCorp).